The following is an entry in ClinVar:

ClinVar aggregate classification (germline): Pathogenic. Review status: criteria provided, single submitter (1 of 4 stars). 2 submissions from 2 submitters: Pathogenic (1). 1 of the submissions does not count toward it. Last evaluated 2024-05-15.

Conditions:
Hereditary cancer-predisposing syndrome. Also called: Tumor predisposition; Hereditary neoplastic syndrome; Hereditary Cancer Syndrome; Neoplastic Syndromes, Hereditary. Identifiers: Orphanet 140162, MedGen C0027672, MeSH D009386, MONDO:0015356.
Malignant tumor of breast. Also called: Malignant breast neoplasm; Cancer breast. Identifiers: MedGen C0006142, MONDO:0007254. Disease mechanism: loss of function.

Submissions (2):

Ambry Genetics
Classification: Pathogenic for Hereditary cancer-predisposing syndrome. Last evaluated: 2024-05-15. Review status: criteria provided, single submitter. Criteria: Ambry Variant Classification Scheme 2023. Collection method: clinical testing. Allele origin: germline.
Comment: The c.8732delC pathogenic mutation, located in coding exon 20 of the BRCA2 gene, results from a deletion of one nucleotide at nucleotide position 8732, causing a translational frameshift with a predicted alternate stop codon (p.A2911Efs*16). This variant is considered to be rare based on population cohorts in the Genome Aggregation Database (gnomAD). This alteration is expected to result in loss of function by premature protein truncation or nonsense-mediated mRNA decay. As such, this alteration is interpreted as a disease-causing mutation.

Department of Pathology and Laboratory Medicine, Sinai Health System
Classification: Pathogenic for Malignant tumor of breast. Review status: no assertion criteria provided. Collection method: clinical testing. Allele origin: unknown. Affected: yes. Study: The Canadian Open Genetics Repository (COGR). Not counted in ClinVar's aggregate classification.
Comment: The BRCA2 p.Ala2911Glufs*16 variant was not identified in the literature nor was it identified in the dbSNP, ClinVar, LOVD 3.0, or UMD-LSDB, databases.The variant was not identified in the following control databases: the Exome Aggregation Consortium (August 8th 2016), or the Genome Aggregation Database (Feb 27, 2017). The c.8732del variant is predicted to cause a frameshift, which alters the protein's amino acid sequence beginning at codon 2911 and leads to a premature stop codon at position 2926. This alteration is then predicted to result in a truncated or absent protein and loss of function. Loss of function variants of the BRCA2 gene are an established mechanism of disease in BRCA2 associated cancers and is the type of variant expected to cause the disorder. In summary, based on the above information this variant meets our laboratoryâ€šÃ„Ã´s criteria to be classified as pathogenic.

NM_000059.4(BRCA2):c.8732del (p.Ala2911fs)

Gene: BRCA2 (BRCA2 DNA repair associated; plus strand). Cytogenetic location: 13q13.1.
Variant type: Deletion.
Coding change: c.8732del on transcript NM_000059.4 (MANE Select); coding-DNA position 8732, one base deleted (C; older notation c.8732delC).
Protein change: p.Ala2911fs; shifts the reading frame from alanine 2911.
Molecular consequence: frameshift variant.
Genome position (GRCh38, 1-based): chr13:32,376,769, C deleted. VCF-style (leftmost placement, unchanged base first): chr13-32376768-GC-G. GRCh37 (hg19) VCF-style: chr13-32950905-GC-G.
Other names: c.8732delC (NM_000059.3); short protein forms A2911fs.
Identifiers: ClinVar variation 1049456 (VCV001049456.3), dbSNP rs2137613348, ClinGen allele CA2499222341.
Genomic context (GRCh38, chr13:32,376,768, plus strand): 5'-ACAAGACAGCAAGTTCGTGCTTTGCAAGATGGTGCAGAGCTTTATGAAGCAGTGAAGAAT[GC>G]AGCAGACCCAGCTTACCTTGAGGTGAGAGAGTAAGAGGACATATAATGAGGCTTGATGAT-3'